The following is an entry in ClinVar:

ClinVar aggregate classification (germline): Likely pathogenic (1 of 4 stars; one submission).

Submission:

Labcorp Genetics (formerly Invitae), Labcorp
Classification: Likely pathogenic. Last evaluated: 2024-12-12. Review status: criteria provided, single submitter. Criteria: Invitae Variant Classification Sherloc (09022015). Collection method: clinical testing. Allele origin: germline.
Comment: This sequence change affects an acceptor splice site in intron 4 of the FERMT1 gene. It is expected to disrupt RNA splicing. Variants that disrupt the donor or acceptor splice site typically lead to a loss of protein function (PMID: 16199547), and loss-of-function variants in FERMT1 are known to be pathogenic (PMID: 14962093, 21936020). This variant is not present in population databases (gnomAD no frequency). This variant has not been reported in the literature in individuals affected with FERMT1-related conditions. Algorithms developed to predict the effect of sequence changes on RNA splicing suggest that this variant may disrupt the consensus splice site. In summary, the currently available evidence indicates that the variant is pathogenic, but additional data are needed to prove that conclusively. Therefore, this variant has been classified as Likely Pathogenic.

Literature cited by the submitters: PubMed 16199547; PubMed 14962093; PubMed 21936020.

NM_017671.5(FERMT1):c.533-1G>A

Gene: FERMT1 (FERM domain containing kindlin 1; minus strand). Cytogenetic location: 20p12.3.
Variant type: single nucleotide variant.
Coding change: c.533-1G>A on transcript NM_017671.5 (MANE Select); the canonical splice acceptor site of the intron before coding-DNA position 533, G replaced by A.
Molecular consequence: splice acceptor variant.
Genome position (GRCh38, 1-based): chr20:6,110,512, C>T on the plus strand (G>A on the coding strand, the complement: FERMT1 is on the minus strand). VCF-style: chr20-6110512-C-T. GRCh37 (hg19) VCF-style: chr20-6091159-C-T.
Identifiers: ClinVar variation 3691811 (VCV003691811.2).